The following is an entry in ClinVar:

ClinVar aggregate classification (germline): Pathogenic (1 of 4 stars; one submission).

Submission:

Labcorp Genetics (formerly Invitae), Labcorp
Classification: Pathogenic. Last evaluated: 2023-06-30. Review status: criteria provided, single submitter. Criteria: Invitae Variant Classification Sherloc (09022015). Collection method: clinical testing. Allele origin: germline.
Comment: For these reasons, this variant has been classified as Pathogenic. This variant disrupts a region of the GORAB protein in which other variant(s) (p.Arg287*) have been determined to be pathogenic (PMID: 18997784, 31829210). This suggests that this is a clinically significant region of the protein, and that variants that disrupt it are likely to be disease-causing. This variant has not been reported in the literature in individuals affected with GORAB-related conditions. This variant is not present in population databases (gnomAD no frequency). This sequence change creates a premature translational stop signal (p.Glu268Aspfs*7) in the GORAB gene. While this is not anticipated to result in nonsense mediated decay, it is expected to disrupt the last 127 amino acid(s) of the GORAB protein.

Literature cited by the submitters: PubMed 18997784; PubMed 31829210.

NM_152281.3(GORAB):c.726_727del (p.Glu243fs)

Gene: GORAB (golgin, RAB6 interacting; plus strand). Cytogenetic location: 1q24.2.
Variant type: Deletion.
Coding change: c.726_727del on transcript NM_152281.3 (MANE Select); coding-DNA positions 726 to 727, 2 bases deleted (TG; older notation c.726_727delTG).
Protein change: p.Glu243fs; shifts the reading frame from glutamic acid 243.
Molecular consequence: frameshift variant. On other transcripts: non-coding transcript variant (1).
Genome position (GRCh38, 1-based): chr1:170,552,078-170,552,079, TG deleted. VCF-style (leftmost placement, unchanged base first): chr1-170552077-CTG-C. GRCh37 (hg19) VCF-style: chr1-170521218-CTG-C.
Other names: c.261_262del, p.Glu88fs (NM_001320252.2); c.675_676del, p.Glu226fs (NM_001410894.1); short protein forms E243fs, E88fs, E226fs.
Identifiers: ClinVar variation 2718034 (VCV002718034.3), dbSNP rs2525970728, ClinGen allele CA2697554657.